The following is an entry in ClinVar:

NM_198428.3(BBS9):c.1330G>C (p.Val444Leu)

Gene: BBS9 (Bardet-Biedl syndrome 9; plus strand). Cytogenetic location: 7p14.3.
Variant type: single nucleotide variant.
Coding change: c.1330G>C on transcript NM_198428.3 (MANE Select); coding-DNA position 1330, G replaced by C.
Protein change: p.Val444Leu; replaces valine 444 with leucine.
Molecular consequence: missense variant. On other transcripts: non-coding transcript variant (3).
Genome position (GRCh38, 1-based): chr7:33,349,068, G>C. VCF-style: chr7-33349068-G-C. GRCh37 (hg19) VCF-style: chr7-33388680-G-C.
Other names: c.1330G>C, p.Val444Leu (NM_001033604.2, NM_001033605.2, NM_001348036.1 and 7 more transcripts); c.964G>C, p.Val322Leu (NM_001348037.3, NM_001348044.3, NM_001348045.3 and 1 more transcripts); c.1057G>C, p.Val353Leu (NM_001348038.3, NM_001348039.3); c.1195G>C, p.Val399Leu (NM_001348042.3); short protein forms V353L, V399L, V444L, V322L.
Identifiers: ClinVar variation 1987072 (VCV001987072.3), dbSNP rs200817595, ClinGen allele CA156728107.
Genomic context (GRCh38, chr7:33,349,068, plus strand): 5'-ATAGTCTATCAGTTTGAATAAAATGTAATTTTCTATTGATAACAATTTCTGTTTCCTTAG[G>C]TCACACTGCAGAACAGAGTGATATTGCAAAAAGCCAAATTATCAGTCTACGTGCAACCAC-3'
Protein context (NP_940820.1, residues 434-454): TDLVPSVTVK[Val444Leu]TLQNRVILQK

ClinVar aggregate classification (germline): Uncertain significance. Review status: criteria provided, multiple submitters, no conflicts (2 of 4 stars). 2 submissions from 2 submitters: Uncertain significance (2). Last evaluated 2024-09-24.

Conditions:
Inborn genetic diseases. Identifiers: MedGen C0950123, MeSH D030342.
Bardet-Biedl syndrome (BBS). Identifiers: Orphanet 110, MedGen C0752166, MONDO:0015229.

Allele frequency attached by ClinVar (database versions not stated): gnomAD 0.00001; gnomAD exomes 0.00001; TOPMed 0.00001.
gnomAD v4.1: 23 of 1,590,804 alleles (0.0014%); highest among the groups gnomAD compares: Non-Finnish European, 0.0018%; no homozygotes.

Submissions (2):

Ambry Genetics
Classification: Uncertain significance for Inborn genetic diseases. Last evaluated: 2024-09-24. Review status: criteria provided, single submitter. Criteria: Ambry Variant Classification Scheme 2023. Collection method: clinical testing. Allele origin: germline.

Labcorp Genetics (formerly Invitae), Labcorp
Classification: Uncertain significance for Bardet-Biedl syndrome. Last evaluated: 2022-03-17. Review status: criteria provided, single submitter. Criteria: Invitae Variant Classification Sherloc (09022015). Collection method: clinical testing. Allele origin: germline.
Comment: This sequence change replaces valine, which is neutral and non-polar, with leucine, which is neutral and non-polar, at codon 444 of the BBS9 protein (p.Val444Leu). This variant is not present in population databases (gnomAD no frequency). This variant has not been reported in the literature in individuals affected with BBS9-related conditions. Algorithms developed to predict the effect of missense changes on protein structure and function output the following: SIFT: "Deleterious"; PolyPhen-2: "Benign"; Align-GVGD: "Class C25". The leucine amino acid residue is found in multiple mammalian species, which suggests that this missense change does not adversely affect protein function. In summary, the available evidence is currently insufficient to determine the role of this variant in disease. Therefore, it has been classified as a Variant of Uncertain Significance.